The following is an entry in ClinVar:

NM_000540.3(RYR1):c.9355C>T (p.Arg3119Cys)

Gene: RYR1 (ryanodine receptor 1; plus strand). Cytogenetic location: 19q13.2.
Variant type: single nucleotide variant.
Coding change: c.9355C>T on transcript NM_000540.3 (MANE Select); coding-DNA position 9355, C replaced by T.
Protein change: p.Arg3119Cys; replaces arginine 3119 with cysteine.
Molecular consequence: missense variant.
Genome position (GRCh38, 1-based): chr19:38,512,366, C>T. VCF-style: chr19-38512366-C-T. GRCh37 (hg19) VCF-style: chr19-39003006-C-T.
Other names: p.Arg3119Cys; c.9355C>T, p.Arg3119Cys (NM_001042723.2); short protein forms R3119C.
Identifiers: ClinVar variation 198328 (VCV000198328.32), dbSNP rs61739911, ClinGen allele CA024978.

ClinVar aggregate classification (germline): Conflicting classifications of pathogenicity. Review status: criteria provided, conflicting classifications (1 of 4 stars). 9 submissions from 8 submitters: Uncertain significance (4); Likely benign (4). 1 of the submissions does not count toward it. Last evaluated 2026-01-21.

Conditions:
RYR1-related disorder. Also called: RYR1-related disorders; RYR1-related condition. Identifiers: MedGen CN239331.
Congenital multicore myopathy with external ophthalmoplegia (CMYO1B). Also called: MULTICORE MYOPATHY; Minicore myopathy with external ophthalmoplegia; MULTIMINICORE DISEASE WITH EXTERNAL OPHTHALMOPLEGIA; Congenital myopathy 1B, autosomal recessive; Minicore myopathy. Identifiers: Orphanet 598, Orphanet 98905, MedGen C1850674, MONDO:0009712, OMIM 255320, HP:0003789.
Malignant hyperthermia, susceptibility to, 1 (MHS1). Also called: Anesthesia related hyperthermia; Malignant hyperpyrexia; Fulminating hyperpyrexia; Pharmacogenic myopathy; Malignant hyperthermia suceptibility 1; RYR1-Related Malignant Hyperthermia Susceptibility. Identifiers: Orphanet 423, MedGen C2930980, MONDO:0007783, OMIM 145600.

Allele frequency attached by ClinVar (database versions not stated): gnomAD exomes 0.00014 and 0.00033; ExAC 0.00036; 1000 Genomes Project 30x 0.00094; 1000 Genomes Project 0.00100; gnomAD 0.00101 and 0.00113; TOPMed 0.00104; ESP Exome Variant Server 0.00131.
gnomAD v4.1: 358 of 1,614,082 alleles (0.022%); highest among the groups gnomAD compares: African/African-American, 0.41%; no homozygotes.

Submissions (9):

Labcorp Genetics (formerly Invitae), Labcorp
Classification: Likely benign for RYR1-related disorder. Last evaluated: 2026-01-21. Review status: criteria provided, single submitter. Criteria: Invitae Variant Classification Sherloc (09022015). Collection method: clinical testing. Allele origin: germline.

Mayo Clinic Laboratories, Mayo Clinic
Classification: Uncertain significance. Last evaluated: 2025-08-28. Review status: criteria provided, single submitter. Criteria: ACMG Guidelines, 2015. Collection method: clinical testing. Allele origin: germline. Observed: 1 variant allele.
Comment: BS1

GeneDx
Classification: Uncertain significance. Last evaluated: 2025-02-27. Review status: criteria provided, single submitter. Criteria: GeneDx Variant Classification Process June 2021. Collection method: clinical testing. Allele origin: germline. Affected: yes.
Comment: Identified in an individual with a suspected RYR1-related myopathy (PMID: 32236737); In silico analysis supports that this missense variant has a deleterious effect on protein structure/function; This variant is associated with the following publications: (PMID: 32236737, 12668474)

Revvity Omics, Revvity
Classification: Likely benign. Last evaluated: 2023-05-30. Review status: criteria provided, single submitter. Criteria: ACMG Guidelines, 2015. Collection method: clinical testing. Allele origin: germline.

Color Diagnostics, LLC DBA Color Health
Classification: Likely benign for Malignant hyperthermia, susceptibility to, 1. Last evaluated: 2022-11-06. Review status: criteria provided, single submitter. Criteria: ACMG Guidelines, 2015. Collection method: clinical testing. Allele origin: germline.

Illumina Laboratory Services, Illumina
Classification: Likely benign for Malignant hyperthermia, susceptibility to, 1. Last evaluated: 2018-01-13. Review status: criteria provided, single submitter. Criteria: ICSL Variant Classification Criteria 13 December 2019. Collection method: clinical testing. Allele origin: germline.
Comment: This variant was observed in the ICSL laboratory as part of a predisposition screen in an ostensibly healthy population. It had not been previously curated by ICSL or reported in the Human Gene Mutation Database (HGMD: prior to June 1st, 2018), and was therefore a candidate for classification through an automated scoring system. Utilizing variant allele frequency, disease prevalence and penetrance estimates, and inheritance mode, an automated score was calculated to assess if this variant is too frequent to cause the disease. Based on the score and internal cut-off values, a variant classified as likely benign is not then subjected to further curation. The score for this variant resulted in a classification of likely benign for this disease.

Illumina Laboratory Services, Illumina
Classification: Uncertain significance for Congenital multicore myopathy with external ophthalmoplegia. Last evaluated: 2018-01-13. Review status: criteria provided, single submitter. Criteria: ICSL Variant Classification Criteria 13 December 2019. Collection method: clinical testing. Allele origin: germline.

Eurofins Ntd Llc (ga)
Classification: Uncertain significance. Last evaluated: 2015-06-11. Review status: criteria provided, single submitter. Criteria: EGL Classification Definitions 2015. Collection method: clinical testing. Allele origin: germline. Observed: 2 variant alleles, 2 heterozygotes.

PreventionGenetics, part of Exact Sciences
Classification: Likely benign for RYR1-related condition. Last evaluated: 2021-11-16. Review status: no assertion criteria provided. Collection method: clinical testing. Allele origin: germline. Not counted in ClinVar's aggregate classification.
Comment: This variant is classified as likely benign based on ACMG/AMP sequence variant interpretation guidelines (Richards et al. 2015 PMID: 25741868, with internal and published modifications).

Literature cited by the submitters: PubMed 32236737 (cited by Mayo Clinic Laboratories, Mayo Clinic).